The following is an entry in ClinVar:

NM_004974.4(KCNA2):c.172C>T (p.Leu58Phe)

Gene: KCNA2 (potassium voltage-gated channel subfamily A member 2; minus strand). Cytogenetic location: 1p13.3.
Variant type: single nucleotide variant.
Coding change: c.172C>T on transcript NM_004974.4 (MANE Select); coding-DNA position 172, C replaced by T.
Protein change: p.Leu58Phe; replaces leucine 58 with phenylalanine.
Molecular consequence: missense variant.
Genome position (GRCh38, 1-based): chr1:110,604,611, G>A on the plus strand (C>T on the coding strand, the complement: KCNA2 is on the minus strand). VCF-style: chr1-110604611-G-A. GRCh37 (hg19) VCF-style: chr1-111147233-G-A.
Other names: c.172C>T, p.Leu58Phe (NM_001204269.2); short protein forms L58F.
Identifiers: ClinVar variation 2749658 (VCV002749658.3), dbSNP rs2524623179, ClinGen allele CA341606522.

ClinVar aggregate classification (germline): Uncertain significance (1 of 4 stars; one submission).

Conditions:
Developmental and epileptic encephalopathy, 32 (DEE32). Also called: Epileptic encephalopathy, early infantile, 32. Identifiers: Orphanet 442835, MedGen C4225350, MONDO:0014607, OMIM 616366.

Submission:

Labcorp Genetics (formerly Invitae), Labcorp
Classification: Uncertain significance for Developmental and epileptic encephalopathy, 32. Last evaluated: 2023-08-03. Review status: criteria provided, single submitter. Criteria: Invitae Variant Classification Sherloc (09022015). Collection method: clinical testing. Allele origin: germline.
Comment: In summary, the available evidence is currently insufficient to determine the role of this variant in disease. Therefore, it has been classified as a Variant of Uncertain Significance. Advanced modeling of protein sequence and biophysical properties (such as structural, functional, and spatial information, amino acid conservation, physicochemical variation, residue mobility, and thermodynamic stability) performed at Invitae indicates that this missense variant is expected to disrupt KCNA2 protein function. This variant has not been reported in the literature in individuals affected with KCNA2-related conditions. This variant is not present in population databases (gnomAD no frequency). This sequence change replaces leucine, which is neutral and non-polar, with phenylalanine, which is neutral and non-polar, at codon 58 of the KCNA2 protein (p.Leu58Phe).